The following is an entry in ClinVar:

ClinVar aggregate classification (germline): Uncertain significance (1 of 4 stars; one submission).

Submission:

GeneDx
Classification: Uncertain significance. Last evaluated: 2019-07-01. Review status: criteria provided, single submitter. Criteria: GeneDx Variant Classification Process June 2021. Collection method: clinical testing. Allele origin: germline. Affected: yes.
Comment: Not observed in large population cohorts (Lek et al., 2016); In silico analysis, which includes protein predictors and evolutionary conservation, supports a deleterious effect; Has not been previously published as pathogenic or benign to our knowledge

NM_003336.4(UBE2A):c.230T>C (p.Phe77Ser)

Gene: UBE2A (ubiquitin conjugating enzyme E2 A; plus strand). Cytogenetic location: Xq24.
Variant type: single nucleotide variant.
Coding change: c.230T>C on transcript NM_003336.4 (MANE Select); coding-DNA position 230, T replaced by C.
Protein change: p.Phe77Ser; replaces phenylalanine 77 with serine.
Molecular consequence: missense variant. On other transcripts: intron variant (1).
Genome position (GRCh38, 1-based): chrX:119,581,585, T>C. VCF-style: chrX-119581585-T-C. GRCh37 (hg19) VCF-style: chrX-118715548-T-C.
Other names: c.131T>C, p.Phe44Ser (NM_001282161.2); c.152-1003T>C (NM_181762.3); short protein forms F44S, F77S.
Identifiers: ClinVar variation 1306501 (VCV001306501.2), dbSNP rs2147380344, ClinGen allele CA414375885.